The following is an entry in ClinVar:

NM_004360.5(CDH1):c.1893_1896delinsGCAT (p.Thr631_His632=)

Gene: CDH1 (cadherin 1; plus strand). Cytogenetic location: 16q22.1.
Variant type: Indel.
Coding change: c.1893_1896delinsGCAT on transcript NM_004360.5 (MANE Select); coding-DNA positions 1893 to 1896, ACAC replaced by GCAT.
Protein change: p.Thr631_His632=.
Molecular consequence: synonymous variant. On other transcripts: 5 prime UTR variant (1).
Genome position (GRCh38, 1-based): chr16:68,822,182-68,822,185, ACAC replaced by GCAT. VCF-style: chr16-68822182-ACAC-GCAT. GRCh37 (hg19) VCF-style: chr16-68856085-ACAC-GCAT.
Other names: c.1710_1713delinsGCAT, p.Thr570_His571= (NM_001317184.2); c.345_348delinsGCAT, p.Thr115_His116= (NM_001317185.2); c.-73_-70delinsGCAT (NM_001317186.2).
Identifiers: ClinVar variation 3378877 (VCV003378877.1).

ClinVar aggregate classification (germline): Benign (1 of 4 stars; one submission).

Conditions:
Hereditary diffuse gastric adenocarcinoma (HDGC). Also called: DIFFUSE GASTRIC AND LOBULAR BREAST CANCER SYNDROME. Identifiers: Orphanet 26106, MedGen C1708349, MONDO:0007648, OMIM 137215.

Submission:

Myriad Genetics, Inc.
Classification: Benign for Hereditary diffuse gastric adenocarcinoma. Last evaluated: 2024-09-20. Review status: criteria provided, single submitter. Criteria: Myriad Autosomal Dominant, Autosomal Recessive and X-Linked Classification Criteria (2023). Collection method: clinical testing. Allele origin: unknown.
Comment: This variant is considered benign. This variant is a silent/synonymous amino acid change and it is not expected to impact splicing.